The following is an entry in ClinVar:

NM_032119.4(ADGRV1):c.11120T>C (p.Val3707Ala)

Gene: ADGRV1 (adhesion G protein-coupled receptor V1; plus strand). Cytogenetic location: 5q14.3.
Variant type: single nucleotide variant.
Coding change: c.11120T>C on transcript NM_032119.4 (MANE Select); coding-DNA position 11120, T replaced by C.
Protein change: p.Val3707Ala; replaces valine 3707 with alanine.
Molecular consequence: missense variant. On other transcripts: non-coding transcript variant (1).
Genome position (GRCh38, 1-based): chr5:90,750,696, T>C. VCF-style: chr5-90750696-T-C. GRCh37 (hg19) VCF-style: chr5-90046513-T-C.
Other names: short protein forms V3707A.
Identifiers: ClinVar variation 1051810 (VCV001051810.7), dbSNP rs1282037439, ClinGen allele CA360363556.

ClinVar aggregate classification (germline): Uncertain significance (1 of 4 stars; one submission).

Allele frequency attached by ClinVar (database versions not stated): gnomAD exomes below 0.00001; TOPMed 0.00001; gnomAD 0.00001.
gnomAD v4.1: 5 of 1,609,174 alleles (0.00031%); highest among the groups gnomAD compares: East Asian, 0.0022%; no homozygotes.

Submission:

Labcorp Genetics (formerly Invitae), Labcorp
Classification: Uncertain significance. Last evaluated: 2022-06-22. Review status: criteria provided, single submitter. Criteria: Invitae Variant Classification Sherloc (09022015). Collection method: clinical testing. Allele origin: germline.
Comment: This sequence change replaces valine, which is neutral and non-polar, with alanine, which is neutral and non-polar, at codon 3707 of the ADGRV1 protein (p.Val3707Ala). The frequency data for this variant in the population databases is considered unreliable, as metrics indicate poor data quality at this position in the gnomAD database. This variant has not been reported in the literature in individuals affected with ADGRV1-related conditions. ClinVar contains an entry for this variant (Variation ID: 1051810). Algorithms developed to predict the effect of missense changes on protein structure and function are either unavailable or do not agree on the potential impact of this missense change (SIFT: "Deleterious"; PolyPhen-2: "Benign"; Align-GVGD: "Class C25"). In summary, the available evidence is currently insufficient to determine the role of this variant in disease. Therefore, it has been classified as a Variant of Uncertain Significance.